The following is an entry in ClinVar:

ClinVar aggregate classification (germline): Benign (1 of 4 stars; one submission).

Conditions:
Progressive myoclonic epilepsy. Also called: Myoclonic Epilepsies, Progressive; Familial progressive myoclonic epilepsy; Myoclonus epilepsy; Progressive myoclonus epilepsy. Identifiers: Orphanet 308, Orphanet 98261, MedGen C0751778, MONDO:0020074.

Allele frequency attached by ClinVar (database versions not stated): gnomAD 0.00426 and 0.00452; 1000 Genomes Project 30x 0.00437; 1000 Genomes Project 0.00439; TOPMed 0.00450.

Submission:

Illumina Laboratory Services, Illumina
Classification: Benign for Progressive myoclonic epilepsy. Last evaluated: 2018-01-13. Review status: criteria provided, single submitter. Criteria: ICSL Variant Classification Criteria 13 December 2019. Collection method: clinical testing. Allele origin: germline.
Comment: This variant was observed in the ICSL laboratory as part of a predisposition screen in an ostensibly healthy population. It had not been previously curated by ICSL or reported in the Human Gene Mutation Database (HGMD: prior to June 1st, 2018), and was therefore a candidate for classification through an automated scoring system. Utilizing variant allele frequency, disease prevalence and penetrance estimates, and inheritance mode, an automated score was calculated to assess if this variant is too frequent to cause the disease. Based on the score and internal cut-off values, a variant classified as benign is not then subjected to further curation. The score for this variant resulted in a classification of benign for this disease.

NM_198859.4(PRICKLE2):c.*1044C>T

Genes: PRICKLE2 (prickle planar cell polarity protein 2; minus strand), PRICKLE2-AS1 (PRICKLE2 antisense RNA 1; plus strand). Cytogenetic location: 3p14.1.
Variant type: single nucleotide variant.
Coding change: c.*1044C>T on transcript NM_198859.4 (MANE Select); 1044 bases downstream of the stop codon, C replaced by T.
Molecular consequence: 3 prime UTR variant. On other transcripts: non-coding transcript variant (1).
Genome position (GRCh38, 1-based): chr3:64,098,007, G>A on the plus strand (C>T on the coding strand, the complement: PRICKLE2 is on the minus strand). VCF-style: chr3-64098007-G-A. GRCh37 (hg19) VCF-style: chr3-64083683-G-A.
Other names: c.*1044C>T (NM_001370528.1).
Identifiers: ClinVar variation 901894 (VCV000901894.4), dbSNP rs111362297, ClinGen allele CA75715117.